The following is an entry in ClinVar:

ClinVar aggregate classification (germline): Uncertain significance. Review status: criteria provided, multiple submitters, no conflicts (2 of 4 stars). 2 submissions from 2 submitters: Uncertain significance (2). Last evaluated 2026-04-14.

Conditions:
Hereditary cancer-predisposing syndrome. Also called: Tumor predisposition; Hereditary neoplastic syndrome; Neoplastic Syndromes, Hereditary; Hereditary Cancer Syndrome. Identifiers: Orphanet 140162, MedGen C0027672, MeSH D009386, MONDO:0015356.
Tuberous sclerosis 1 (TSC1). Identifiers: Orphanet 805, MedGen C1854465, MONDO:0008612, OMIM 191100.

Submissions (2):

Ambry Genetics
Classification: Uncertain significance for Hereditary cancer-predisposing syndrome. Last evaluated: 2026-04-14. Review status: criteria provided, single submitter. Criteria: Ambry Variant Classification Scheme 2023. Collection method: clinical testing. Allele origin: germline.
Comment: The c.2392-6G>A intronic variant consists of a G to A substitution 6 nucleotides before exon 19 (coding exon 17) in the TSC1 gene. This variant was not reported in population-based cohorts in the Genome Aggregation Database (gnomAD). This nucleotide position is highly conserved in available vertebrate species. In silico splice site analysis predicts that this alteration may weaken the native splice acceptor site and will result in the creation or strengthening of a novel splice acceptor site. Based on insufficient or conflicting evidence, the clinical significance of this alteration remains unclear.

Labcorp Genetics (formerly Invitae), Labcorp
Classification: Uncertain significance for Tuberous sclerosis 1. Last evaluated: 2025-06-08. Review status: criteria provided, single submitter. Criteria: Invitae Variant Classification Sherloc (09022015). Collection method: clinical testing. Allele origin: germline.
Comment: This sequence change falls in intron 18 of the TSC1 gene. It does not directly change the encoded amino acid sequence of the TSC1 protein. This variant is not present in population databases (gnomAD no frequency). This variant has not been reported in the literature in individuals affected with TSC1-related conditions. ClinVar contains an entry for this variant (Variation ID: 2706248). Algorithms developed to predict the effect of sequence changes on RNA splicing suggest that this variant may disrupt the consensus splice site. In summary, the available evidence is currently insufficient to determine the role of this variant in disease. Therefore, it has been classified as a Variant of Uncertain Significance.

NM_000368.5(TSC1):c.2392-6G>A

Gene: TSC1 (TSC complex subunit 1; minus strand). Cytogenetic location: 9q34.13.
Variant type: single nucleotide variant.
Coding change: c.2392-6G>A on transcript NM_000368.5 (MANE Select); 6 bases into the intron before coding-DNA position 2392, G replaced by A.
Molecular consequence: intron variant.
Genome position (GRCh38, 1-based): chr9:132,901,705, C>T on the plus strand (G>A on the coding strand, the complement: TSC1 is on the minus strand). VCF-style: chr9-132901705-C-T. GRCh37 (hg19) VCF-style: chr9-135777092-C-T.
Other names: c.2026-6G>A (NM_001406620.1, NM_001406625.1, NM_001406621.1 and 2 more transcripts); c.2029-6G>A (NM_001406618.1, NM_001406617.1, NM_001406619.1 and 5 more transcripts); c.2236-6G>A (NM_001406613.1, NM_001406612.1, NM_001406611.1); c.2239-6G>A (NM_001406610.1, NM_001162427.2); c.1438-6G>A (NM_001406627.1, NM_001406628.1); c.1339-6G>A (NM_001406629.1, NM_001406630.1); c.2374-6G>A (NM_001406603.1, NM_001406604.1); c.2389-6G>A (NM_001406609.1, NM_001406597.1, NM_001406600.1 and 4 more transcripts); and 3 more.
Identifiers: ClinVar variation 2706248 (VCV002706248.4), dbSNP rs2131710896, ClinGen allele CA2697558124.